The following is an entry in ClinVar:

ClinVar aggregate classification (germline): Uncertain significance (1 of 4 stars; one submission).

Conditions:
Hereditary spastic paraplegia 4. Also called: Familial spastic paraplegia autosomal dominant 2; Spastic paraplegia 4, autosomal dominant; Spastic Paraplegia 4. Identifiers: Orphanet 100985, MedGen C1866855, MONDO:0008438, OMIM 182601.

Allele frequency attached by ClinVar (database versions not stated): gnomAD exomes below 0.00001.
gnomAD v4.1: 1 of 1,581,190 alleles (0.000063%); highest among the groups gnomAD compares: Non-Finnish European, 0.000086%; no homozygotes.

Submission:

Labcorp Genetics (formerly Invitae), Labcorp
Classification: Uncertain significance for Hereditary spastic paraplegia 4. Last evaluated: 2022-05-23. Review status: criteria provided, single submitter. Criteria: Invitae Variant Classification Sherloc (09022015). Collection method: clinical testing. Allele origin: germline.
Comment: In summary, the available evidence is currently insufficient to determine the role of this variant in disease. Therefore, it has been classified as a Variant of Uncertain Significance. Advanced modeling of protein sequence and biophysical properties (such as structural, functional, and spatial information, amino acid conservation, physicochemical variation, residue mobility, and thermodynamic stability) performed at Invitae indicates that this missense variant is not expected to disrupt SPAST protein function. This variant has not been reported in the literature in individuals affected with SPAST-related conditions. This variant is not present in population databases (gnomAD no frequency). This sequence change replaces proline, which is neutral and non-polar, with serine, which is neutral and polar, at codon 24 of the SPAST protein (p.Pro24Ser).

NM_014946.4(SPAST):c.70C>T (p.Pro24Ser)

Gene: SPAST (spastin; plus strand). Cytogenetic location: 2p22.3.
Variant type: single nucleotide variant.
Coding change: c.70C>T on transcript NM_014946.4 (MANE Select); coding-DNA position 70, C replaced by T.
Protein change: p.Pro24Ser; replaces proline 24 with serine.
Molecular consequence: missense variant.
Genome position (GRCh38, 1-based): chr2:32,063,901, C>T. VCF-style: chr2-32063901-C-T. GRCh37 (hg19) VCF-style: chr2-32288970-C-T.
Other names: c.70C>T, p.Pro24Ser (NM_001363823.2, NM_001363875.2, NM_001377959.1 and 1 more transcripts); short protein forms P24S.
Identifiers: ClinVar variation 1964668 (VCV001964668.5), dbSNP rs2465679933, ClinGen allele CA346601302.